The following is an entry in ClinVar:

NM_000465.4(BARD1):c.27C>A (p.Asn9Lys)

Gene: BARD1 (BRCA1 associated RING domain 1; minus strand). Cytogenetic location: 2q35.
Variant type: single nucleotide variant.
Coding change: c.27C>A on transcript NM_000465.4 (MANE Select); coding-DNA position 27, C replaced by A.
Protein change: p.Asn9Lys; replaces asparagine 9 with lysine.
Molecular consequence: missense variant. On other transcripts: non-coding transcript variant (3).
Genome position (GRCh38, 1-based): chr2:214,809,543, G>T on the plus strand (C>A on the coding strand, the complement: BARD1 is on the minus strand). VCF-style: chr2-214809543-G-T. GRCh37 (hg19) VCF-style: chr2-215674267-G-T.
Other names: c.27C>A, p.Asn9Lys (NM_001282543.2, NM_001282545.2, NM_001282548.2 and 1 more transcripts); c.27C>A (NM_000465.3, NM_000465.2); short protein forms N9K.
Identifiers: ClinVar variation 1518903 (VCV001518903.8), dbSNP rs1038616344, ClinGen allele CA350465401.

ClinVar aggregate classification (germline): Uncertain significance. Review status: criteria provided, multiple submitters, no conflicts (2 of 4 stars). 3 submissions from 3 submitters: Uncertain significance (3). Last evaluated 2023-12-02.

Conditions:
Familial cancer of breast. Also called: hereditary breast carcinoma; BREAST CANCER, FAMILIAL; Hereditary breast cancer. Identifiers: Orphanet 227535, MedGen C0346153, MONDO:0016419, OMIM 114480. Disease mechanism: loss of function.
Hereditary cancer-predisposing syndrome. Also called: Hereditary neoplastic syndrome; Hereditary Cancer Syndrome; Tumor predisposition; Neoplastic Syndromes, Hereditary. Identifiers: Orphanet 140162, MedGen C0027672, MeSH D009386, MONDO:0015356.

Submissions (3):

Ambry Genetics
Classification: Uncertain significance for Hereditary cancer-predisposing syndrome. Last evaluated: 2023-12-02. Review status: criteria provided, single submitter. Criteria: Ambry Variant Classification Scheme 2023. Collection method: clinical testing. Allele origin: germline.
Comment: The p.N9K variant (also known as c.27C>A), located in coding exon 1 of the BARD1 gene, results from a C to A substitution at nucleotide position 27. The asparagine at codon 9 is replaced by lysine, an amino acid with similar properties. This amino acid position is conserved. In addition, this alteration is predicted to be tolerated by in silico analysis. Since supporting evidence is limited at this time, the clinical significance of this alteration remains unclear.

Women's Health and Genetics/Laboratory Corporation of America, LabCorp
Classification: Uncertain significance. Last evaluated: 2023-06-30. Review status: criteria provided, single submitter. Criteria: LabCorp Variant Classification Summary - May 2015. Collection method: clinical testing. Allele origin: germline.

Labcorp Genetics (formerly Invitae), Labcorp
Classification: Uncertain significance for Familial cancer of breast. Last evaluated: 2021-10-27. Review status: criteria provided, single submitter. Criteria: Invitae Variant Classification Sherloc (09022015). Collection method: clinical testing. Allele origin: germline.
Comment: This sequence change replaces asparagine, a(n) neutral and polar amino acid, with lysine, a(n) basic and polar amino acid, at codon 9 of the BARD1 protein (p.Asn9Lys). This variant is not present in population databases (gnomAD no frequency). In summary, the available evidence is currently insufficient to determine the role of this variant in disease. Therefore, it has been classified as a Variant of Uncertain Significance. Algorithms developed to predict the effect of missense changes on protein structure and function (SIFT, PolyPhen-2, Align-GVGD) all suggest that this variant is likely to be tolerated. This variant has not been reported in the literature in individuals affected with BARD1-related conditions.